The following is an entry in ClinVar:

ClinVar aggregate classification (germline): Likely benign. Review status: criteria provided, multiple submitters, no conflicts (2 of 4 stars). 3 submissions from 3 submitters: Likely benign (3). Last evaluated 2026-09-01.

Allele frequency attached by ClinVar (database versions not stated): ESP Exome Variant Server 0.00008; gnomAD 0.00015 and 0.00016; TOPMed 0.00021; gnomAD exomes 0.00030; ExAC 0.00033.
gnomAD v4.1: 130 of 1,612,652 alleles (0.0081%); highest among the groups gnomAD compares: Admixed American, 0.12%; no homozygotes.

Submissions (5):

CeGaT Center for Human Genetics Tuebingen
Classification: Likely benign. Last evaluated: 2026-09-01. Review status: criteria provided, single submitter. Criteria: CeGaT Center For Human Genetics Tuebingen Variant Classification Criteria Version 2. Collection method: clinical testing. Allele origin: germline. Affected: yes. Observed: 2 variant alleles.
Comment: CEP250: BP4

Labcorp Genetics (formerly Invitae), Labcorp
Classification: Likely benign. Last evaluated: 2025-12-30. Review status: criteria provided, single submitter. Criteria: Invitae Variant Classification Sherloc (09022015). Collection method: clinical testing. Allele origin: germline.

Blueprint Genetics
Classification: Likely benign. Last evaluated: 2024-03-26. Review status: criteria provided, single submitter. Criteria: ACMG Guidelines, 2015. Collection method: clinical testing. Allele origin: germline.

Dr. Peter K. Rogan Lab, Western University
No classification provided (evidence only). Condition: Colon adenocarcinoma. Review status: no classification provided. Collection method: in vitro. Allele origin: not applicable. Functional consequence: retained intron. Not counted in ClinVar's aggregate classification.

Dr. Peter K. Rogan Lab, Western University
No classification provided (evidence only). Condition: Thyroid cancer, nonmedullary, 1. Review status: no classification provided. Collection method: in vitro. Allele origin: not applicable. Functional consequence: retained intron. Not counted in ClinVar's aggregate classification.

NM_007186.6(CEP250):c.851G>A (p.Arg284Gln)

Gene: CEP250 (centrosomal protein 250; plus strand). Cytogenetic location: 20q11.22.
Variant type: single nucleotide variant.
Coding change: c.851G>A on transcript NM_007186.6 (MANE Select); coding-DNA position 851, G replaced by A.
Protein change: p.Arg284Gln; replaces arginine 284 with glutamine.
Molecular consequence: missense variant. On other transcripts: 5 prime UTR variant (1).
Genome position (GRCh38, 1-based): chr20:35,467,555, G>A. VCF-style: chr20-35467555-G-A. GRCh37 (hg19) VCF-style: chr20-34055380-G-A.
Other names: c.-1049G>A (NM_001318219.1); short protein forms R284Q.
Identifiers: ClinVar variation 1084137 (VCV001084137.24), dbSNP rs139021763, ClinGen allele CA9832715.
Genomic context (GRCh38, chr20:35,467,555, plus strand): 5'-GCCAGGAGTTAATACAGCTGAAGAGTCAAGGGGATCTGGAGAAGGCTGAACTTCAGGACC[G>A]GTGAGATGGCCTGGGGTCCCAAGAAGGGTTCGCTGAGAGAGAGCTGACTCCTTTAGAGGG-3'
Protein context (NP_009117.2, residues 274-294): GDLEKAELQD[Arg284Gln]VTELSALLTQ